The following is an entry in ClinVar:

NM_001384732.1(CPLANE1):c.7919G>A (p.Ser2640Asn)

Gene: CPLANE1 (ciliogenesis and planar polarity effector complex subunit 1; minus strand). Cytogenetic location: 5p13.2.
Variant type: single nucleotide variant.
Coding change: c.7919G>A on transcript NM_001384732.1 (MANE Select); coding-DNA position 7919, G replaced by A.
Protein change: p.Ser2640Asn; replaces serine 2640 with asparagine.
Molecular consequence: missense variant.
Genome position (GRCh38, 1-based): chr5:37,157,762, C>T on the plus strand (G>A on the coding strand, the complement: CPLANE1 is on the minus strand). VCF-style: chr5-37157762-C-T. GRCh37 (hg19) VCF-style: chr5-37157864-C-T.
Other names: c.7865G>A, p.Ser2622Asn (NM_023073.4); c.7865G>A (NM_023073.3); short protein forms S2622N, S2640N.
Identifiers: ClinVar variation 2164702 (VCV002164702.5), dbSNP rs1775554892, ClinGen allele CA359474771.

ClinVar aggregate classification (germline): Uncertain significance. Review status: criteria provided, multiple submitters, no conflicts (2 of 4 stars). 2 submissions from 2 submitters: Uncertain significance (2). Last evaluated 2024-02-07.

Conditions:
Orofaciodigital syndrome type 6 (OFD6). Also called: OROFACIODIGITAL SYNDROME VI; OFDS VI; POLYDACTYLY, CLEFT LIP/PALATE OR LINGUAL LUMP, AND PSYCHOMOTOR RETARDATION; VARADI SYNDROME; VARADI-PAPP SYNDROME; Oral-facial-digital syndrome type 6. Identifiers: Orphanet 2754, MedGen C2745997, MONDO:0010176, OMIM 277170.
Joubert syndrome 17 (JBTS17). Identifiers: Orphanet 475, MedGen C3553264, MONDO:0013824, OMIM 614615.

Allele frequency attached by ClinVar (database versions not stated): gnomAD exomes below 0.00001.
gnomAD v4.1: 6 of 1,613,708 alleles (0.00037%); highest among the groups gnomAD compares: Non-Finnish European, 0.00034%; no homozygotes.

Submissions (2):

Fulgent Genetics
Classification: Uncertain significance for Orofaciodigital syndrome type 6; Joubert syndrome 17. Last evaluated: 2024-02-07. Review status: criteria provided, single submitter. Criteria: ACMG Guidelines, 2015. Collection method: clinical testing. Allele origin: germline.

Labcorp Genetics (formerly Invitae), Labcorp
Classification: Uncertain significance. Last evaluated: 2023-07-22. Review status: criteria provided, single submitter. Criteria: Invitae Variant Classification Sherloc (09022015). Collection method: clinical testing. Allele origin: germline.
Comment: This sequence change replaces serine, which is neutral and polar, with asparagine, which is neutral and polar, at codon 2622 of the CPLANE1 protein (p.Ser2622Asn). This variant is not present in population databases (gnomAD no frequency). This variant has not been reported in the literature in individuals affected with CPLANE1-related conditions. ClinVar contains an entry for this variant (Variation ID: 2164702). Advanced modeling of protein sequence and biophysical properties (such as structural, functional, and spatial information, amino acid conservation, physicochemical variation, residue mobility, and thermodynamic stability) performed at Invitae indicates that this missense variant is not expected to disrupt CPLANE1 protein function. In summary, the available evidence is currently insufficient to determine the role of this variant in disease. Therefore, it has been classified as a Variant of Uncertain Significance.